The following is an entry in ClinVar:

NM_198578.4(LRRK2):c.4140A>G (p.Ile1380Met)

Gene: LRRK2 (leucine rich repeat kinase 2; plus strand). Cytogenetic location: 12q12.
Variant type: single nucleotide variant.
Coding change: c.4140A>G on transcript NM_198578.4 (MANE Select); coding-DNA position 4140, A replaced by G.
Protein change: p.Ile1380Met; replaces isoleucine 1380 with methionine.
Molecular consequence: missense variant.
Genome position (GRCh38, 1-based): chr12:40,308,647, A>G. VCF-style: chr12-40308647-A-G. GRCh37 (hg19) VCF-style: chr12-40702449-A-G.
Other names: short protein forms I1380M.
Identifiers: ClinVar variation 1738160 (VCV001738160.2), dbSNP rs747006609, ClinGen allele CA6514085.

ClinVar aggregate classification (germline): Uncertain significance (1 of 4 stars; one submission).

Conditions:
Inborn genetic diseases. Identifiers: MedGen C0950123, MeSH D030342.

Allele frequency attached by ClinVar (database versions not stated): ExAC 0.00001.

Submission:

Ambry Genetics
Classification: Uncertain significance for Inborn genetic diseases. Last evaluated: 2022-10-02. Review status: criteria provided, single submitter. Criteria: Ambry Variant Classification Scheme 2023. Collection method: clinical testing. Allele origin: germline.
Comment: The p.I1380M variant (also known as c.4140A>G), located in coding exon 29 of the LRRK2 gene, results from an A to G substitution at nucleotide position 4140. The isoleucine at codon 1380 is replaced by methionine, an amino acid with highly similar properties. This amino acid position is conserved. In addition, this alteration is predicted to be tolerated by in silico analysis. Since supporting evidence is limited at this time, the clinical significance of this alteration remains unclear.